The following is an entry in ClinVar:

NM_000338.3(SLC12A1):c.610G>T (p.Val204Phe)

Gene: SLC12A1 (solute carrier family 12 member 1; plus strand). Cytogenetic location: 15q21.1.
Variant type: single nucleotide variant.
Coding change: c.610G>T on transcript NM_000338.3 (MANE Select); coding-DNA position 610, G replaced by T.
Protein change: p.Val204Phe; replaces valine 204 with phenylalanine.
Molecular consequence: missense variant.
Genome position (GRCh38, 1-based): chr15:48,220,978, G>T. VCF-style: chr15-48220978-G-T. GRCh37 (hg19) VCF-style: chr15-48513175-G-T.
Other names: c.610G>T, p.Val204Phe (NM_001184832.2, NM_001384136.1); short protein forms V204F.
Identifiers: ClinVar variation 988127 (VCV000988127.1), dbSNP rs1442023118, ClinGen allele CA392305021.

ClinVar aggregate classification (germline): Uncertain significance (0 of 4 stars; one submission).

Conditions:
Bartter syndrome. Identifiers: Orphanet 112, MedGen C0004775, MONDO:0015231.
Familial hypokalemia-hypomagnesemia (GTLMNS). Also called: POTASSIUM AND MAGNESIUM DEPLETION; HYPOMAGNESEMIA-HYPOKALEMIA, PRIMARY RENOTUBULAR, WITH HYPOCALCIURIA; gitelman syndrome. Identifiers: Orphanet 358, MedGen C0268450, MONDO:0009904, OMIM 263800.

Allele frequency attached by ClinVar (database versions not stated): gnomAD 0.00001; TOPMed below 0.00001.
gnomAD v4.1: 1 of 1,613,824 alleles (0.000062%); highest among the groups gnomAD compares: Non-Finnish European, 0.000085%; no homozygotes.

Submission:

Sydney Genome Diagnostics, Children's Hospital Westmead
Classification: Uncertain significance for Familial hypokalemia-hypomagnesemia; Bartter syndrome. Last evaluated: 2018-11-15. Review status: no assertion criteria provided. Collection method: clinical testing. Allele origin: unknown. Affected: yes. Observed: 1 variant allele, 1 heterozygote.
Comment: The variant has not been reported in any population databases (i.e.gnomAD, ExAC, ESP or dbSNP). To our knowledge, c.610G>T p.(Val204Phe) has not been previously reported in the literature or any disease specific databases. In silico analysis of pathogenicity (through Alamut Visual v2.8.1) is inconclusive regarding this change; PolyPhen2 and SIFT predict this variant to be likely benign whereas MutationTaster predicts it to be likely pathogenic. This variant is considered to be a variant of uncertain clinical significance (VOUS) according to the ACMG guidelines (evidence used PM2).